The following is an entry in ClinVar:

NM_013254.4(TBK1):c.175T>C (p.Leu59=)

Gene: TBK1 (TANK binding kinase 1; plus strand). Cytogenetic location: 12q14.2.
Variant type: single nucleotide variant.
Coding change: c.175T>C on transcript NM_013254.4 (MANE Select); coding-DNA position 175, T replaced by C.
Protein change: p.Leu59=; no amino-acid change (leucine 59 retained).
Molecular consequence: synonymous variant.
Genome position (GRCh38, 1-based): chr12:64,460,276, T>C. VCF-style: chr12-64460276-T-C. GRCh37 (hg19) VCF-style: chr12-64854056-T-C.
Other names: c.175T>C (NM_013254.3).
Identifiers: ClinVar variation 1619985 (VCV001619985.10), dbSNP rs545011546, ClinGen allele CA6668728.
Genomic context (GRCh38, chr12:64,460,276, plus strand): 5'-GTATTTAATAACATAAGCTTCCTTCGTCCAGTGGATGTTCAAATGAGAGAATTTGAAGTG[T>C]TGAAAAAACTCAATCACAAAAATATTGTCAAATTATTTGCTATTGAAGAGGAGGTAAGTA-3'
Protein context (NP_037386.1, residues 49-69): VDVQMREFEV[Leu59=]KKLNHKNIVK

ClinVar aggregate classification (germline): Likely benign. Review status: criteria provided, multiple submitters, no conflicts (2 of 4 stars). 3 submissions from 3 submitters: Likely benign (3). Last evaluated 2026-06-24.

Conditions:
Frontotemporal dementia and/or amyotrophic lateral sclerosis 4. Also called: FTDALS4. Identifiers: Orphanet 275872, MedGen C4225325, MONDO:0014641, OMIM 616439.
TBK1-related disorder. Also called: TBK1-related condition.

Allele frequency attached by ClinVar (database versions not stated): gnomAD exomes 0.00001 and 0.00003; ExAC 0.00004; gnomAD 0.00010 and 0.00011; TOPMed 0.00014; 1000 Genomes Project 30x 0.00031; 1000 Genomes Project 0.00040.
gnomAD v4.1: 31 of 1,584,118 alleles (0.002%); highest among the groups gnomAD compares: African/African-American, 0.032%; no homozygotes.

Submissions (3):

PreventionGenetics, part of Exact Sciences
Classification: Likely benign for TBK1-related condition. Last evaluated: 2026-06-24. Review status: criteria provided, single submitter. Criteria: ACMG Guidelines, 2015. Collection method: clinical testing. Allele origin: germline.
Comment: This variant is classified as likely benign based on ACMG/AMP sequence variant interpretation guidelines (Richards et al. 2015 PMID: 25741868, with internal and published modifications).

Labcorp Genetics (formerly Invitae), Labcorp
Classification: Likely benign for Frontotemporal dementia and/or amyotrophic lateral sclerosis 4. Last evaluated: 2024-12-22. Review status: criteria provided, single submitter. Criteria: Invitae Variant Classification Sherloc (09022015). Collection method: clinical testing. Allele origin: germline.

Blueprint Genetics
Classification: Likely benign. Last evaluated: 2024-11-25. Review status: criteria provided, single submitter. Criteria: ACMG Guidelines, 2015. Collection method: clinical testing. Allele origin: germline.